The following is an entry in ClinVar:

ClinVar aggregate classification (germline): Uncertain significance. Review status: criteria provided, multiple submitters, no conflicts (2 of 4 stars). 2 submissions from 2 submitters: Uncertain significance (2). Last evaluated 2026-09-01.

Conditions:
Retinal dystrophy. Also called: Inherited retinal dystrophy. Identifiers: Orphanet 71862, MedGen C0854723, MeSH D058499, MONDO:0019118, HP:0000556.
CEP290-related disorder. Also called: CEP290-related disorders; CEP290-related condition. Identifiers: MedGen CN239314.

Allele frequency attached by ClinVar (database versions not stated): ExAC 0.00001; gnomAD 0.00001; gnomAD exomes 0.00001; TOPMed 0.00001.
gnomAD v4.1: 10 of 1,612,598 alleles (0.00062%); highest among the groups gnomAD compares: Admixed American, 0.0083%; no homozygotes.

Submissions (2):

PreventionGenetics, part of Exact Sciences
Classification: Uncertain significance for CEP290-related condition. Last evaluated: 2026-09-01. Review status: criteria provided, single submitter. Criteria: ACMG Guidelines, 2015. Collection method: clinical testing. Allele origin: germline.
Comment: The CEP290 c.4324A>G variant is predicted to result in the amino acid substitution p.Ile1442Val. To our knowledge, this variant has not been reported in the literature. This variant is reported in 0.012% of alleles in individuals of Latino descent in gnomAD. At this time, the clinical significance of this variant is uncertain due to the absence of conclusive functional and genetic evidence.

Dept Of Ophthalmology, Nagoya University
Classification: Uncertain significance for Retinal dystrophy. Last evaluated: 2023-10-01. Review status: criteria provided, single submitter. Criteria: Submitter's publication. Collection method: research. Allele origin: germline. Affected: yes.

NM_025114.4(CEP290):c.4324A>G (p.Ile1442Val)

Gene: CEP290 (centrosomal protein 290; minus strand). Cytogenetic location: 12q21.32.
Variant type: single nucleotide variant.
Coding change: c.4324A>G on transcript NM_025114.4 (MANE Select); coding-DNA position 4324, A replaced by G.
Protein change: p.Ile1442Val; replaces isoleucine 1442 with valine.
Molecular consequence: missense variant.
Genome position (GRCh38, 1-based): chr12:88,086,152, T>C on the plus strand (A>G on the coding strand, the complement: CEP290 is on the minus strand). VCF-style: chr12-88086152-T-C. GRCh37 (hg19) VCF-style: chr12-88479929-T-C.
Other names: c.4324A>G (NM_025114.3); short protein forms I1442V.
Identifiers: ClinVar variation 3028248 (VCV003028248.2), dbSNP rs780996316, ClinGen allele CA6711965.
Genomic context (GRCh38, chr12:88,086,152, plus strand): 5'-CCTTAATTTTCCTTAGAGCGATCTCAAGTTGATTTGGAAGGGGCAAACTAGGGTCAGGGA[T>C]TGATCCTGTAGCTTCTTCAAACTATTAAGAAATAGTATGTTTTTTAAAAAAGCAGTTGCA-3'
Protein context (NP_079390.3, residues 1432-1452): AQKFEEATGS[Ile1442Val]PDPSLPLPNQ